The following is an entry in ClinVar:

ClinVar aggregate classification (germline): Uncertain significance (1 of 4 stars; one submission).

Allele frequency attached by ClinVar (database versions not stated): gnomAD 0.00001; gnomAD exomes 0.00002.
gnomAD v4.1: 25 of 1,613,902 alleles (0.0015%); highest among the groups gnomAD compares: Non-Finnish European, 0.002%; no homozygotes.

Submission:

CeGaT Center for Human Genetics Tuebingen
Classification: Uncertain significance. Last evaluated: 2024-02-01. Review status: criteria provided, single submitter. Criteria: CeGaT Center For Human Genetics Tuebingen Variant Classification Criteria Version 2. Collection method: clinical testing. Allele origin: germline. Affected: yes. Observed: 1 variant allele.
Comment: CLCNKB: PM2, PM3:Supporting, PP3

NM_000085.5(CLCNKB):c.431T>C (p.Phe144Ser)

Genes: CLCNKB (chloride voltage-gated channel Kb; plus strand), LOC106501713 (CLCNKB recombination region; plus strand). Cytogenetic location: 1p36.13.
Variant type: single nucleotide variant.
Coding change: c.431T>C on transcript NM_000085.5 (MANE Select); coding-DNA position 431, T replaced by C.
Protein change: p.Phe144Ser; replaces phenylalanine 144 with serine.
Molecular consequence: missense variant.
Genome position (GRCh38, 1-based): chr1:16,047,977, T>C. VCF-style: chr1-16047977-T-C. GRCh37 (hg19) VCF-style: chr1-16374472-T-C.
Other names: short protein forms F144S.
Identifiers: ClinVar variation 3027232 (VCV003027232.22), dbSNP rs1247490802, ClinGen allele CA338633705.
Genomic context (GRCh38, chr1:16,047,977, plus strand): 5'-CGGAGGTGAAGACCATGTTGGCGGGTGTGGTCTTGGAGGACTACCTGGATATCAAGAACT[T>C]TGGGGCCAAAGTGGTGGGCCTCTCCTGCACCCTGGCCTGTGGCAGCACCCTCTTCCTCGG-3'
Protein context (NP_000076.2, residues 134-154): VLEDYLDIKN[Phe144Ser]GAKVVGLSCT